The following is an entry in ClinVar:

NM_001957.4(EDNRA):c.1060G>A (p.Gly354Ser)

Gene: EDNRA (endothelin receptor type A; plus strand). Cytogenetic location: 4q31.23.
Variant type: single nucleotide variant.
Coding change: c.1060G>A on transcript NM_001957.4 (MANE Select); coding-DNA position 1060, G replaced by A.
Protein change: p.Gly354Ser; replaces glycine 354 with serine.
Molecular consequence: missense variant. On other transcripts: non-coding transcript variant (3).
Genome position (GRCh38, 1-based): chr4:147,540,402, G>A. VCF-style: chr4-147540402-G-A. GRCh37 (hg19) VCF-style: chr4-148461554-G-A.
Other names: c.733G>A, p.Gly245Ser (NM_001166055.2); c.1060G>A (NM_001957.3); short protein forms G245S, G354S.
Identifiers: ClinVar variation 3622572 (VCV003622572.4).

ClinVar aggregate classification (germline): Uncertain significance. Review status: criteria provided, multiple submitters, no conflicts (2 of 4 stars). 3 submissions from 3 submitters: Uncertain significance (3). Last evaluated 2026-08-01.

Conditions:
Inborn genetic diseases. Identifiers: MedGen C0950123, MeSH D030342.

Submissions (3):

CeGaT Center for Human Genetics Tuebingen
Classification: Uncertain significance. Last evaluated: 2026-08-01. Review status: criteria provided, single submitter. Criteria: CeGaT Center For Human Genetics Tuebingen Variant Classification Criteria Version 2. Collection method: clinical testing. Allele origin: germline. Affected: yes. Observed: 1 variant allele.
Comment: EDNRA: PP2, BP4

Ambry Genetics
Classification: Uncertain significance for Inborn genetic diseases. Last evaluated: 2025-12-11. Review status: criteria provided, single submitter. Criteria: Ambry Variant Classification Scheme 2023. Collection method: clinical testing. Allele origin: germline.

Labcorp Genetics (formerly Invitae), Labcorp
Classification: Uncertain significance. Last evaluated: 2024-05-28. Review status: criteria provided, single submitter. Criteria: Invitae Variant Classification Sherloc (09022015). Collection method: clinical testing. Allele origin: germline.
Comment: This sequence change replaces glycine, which is neutral and non-polar, with serine, which is neutral and polar, at codon 354 of the EDNRA protein (p.Gly354Ser). This variant is present in population databases (rs201758871, gnomAD 0.006%). This variant has not been reported in the literature in individuals affected with EDNRA-related conditions. Advanced modeling of protein sequence and biophysical properties (such as structural, functional, and spatial information, amino acid conservation, physicochemical variation, residue mobility, and thermodynamic stability) performed at Invitae indicates that this missense variant is not expected to disrupt EDNRA protein function with a negative predictive value of 80%. In summary, the available evidence is currently insufficient to determine the role of this variant in disease. Therefore, it has been classified as a Variant of Uncertain Significance.